The following is an entry in ClinVar:

NM_001367624.2(ZNF469):c.685G>C (p.Ala229Pro)

Gene: ZNF469 (zinc finger protein 469; plus strand). Cytogenetic location: 16q24.2.
Variant type: single nucleotide variant.
Coding change: c.685G>C on transcript NM_001367624.2 (MANE Select); coding-DNA position 685, G replaced by C.
Protein change: p.Ala229Pro; replaces alanine 229 with proline.
Molecular consequence: missense variant.
Genome position (GRCh38, 1-based): chr16:88,428,155, G>C. VCF-style: chr16-88428155-G-C. GRCh37 (hg19) VCF-style: chr16-88494563-G-C.
Other names: NM_001127464.1:c.685G>C; short protein forms A229P.
Identifiers: ClinVar variation 3232848 (VCV003232848.1), dbSNP rs2507572083, ClinGen allele CA397061593.

ClinVar aggregate classification (germline): Uncertain significance (1 of 4 stars; one submission).

Conditions:
Cardiovascular phenotype. Identifiers: MedGen CN230736.

gnomAD v4.1: 1 of 1,550,184 alleles (0.000065%); highest among the groups gnomAD compares: African/African-American, 0.0014%; no homozygotes.

Submission:

Ambry Genetics
Classification: Uncertain significance for Cardiovascular phenotype. Last evaluated: 2024-01-29. Review status: criteria provided, single submitter. Criteria: Ambry Variant Classification Scheme 2023. Collection method: clinical testing. Allele origin: germline.
Comment: The p.A229P variant (also known as c.685G>C), located in coding exon 1 of the ZNF469 gene, results from a G to C substitution at nucleotide position 685. The alanine at codon 229 is replaced by proline, an amino acid with highly similar properties. This amino acid position is conserved. In addition, this alteration is predicted to be tolerated by in silico analysis. Based on the available evidence, the clinical significance of this alteration remains unclear.